The following is an entry in ClinVar:

NM_020166.5(MCCC1):c.262C>T (p.His88Tyr)

Gene: MCCC1 (methylcrotonyl-CoA carboxylase subunit 1; minus strand). Cytogenetic location: 3q27.1.
Variant type: single nucleotide variant.
Coding change: c.262C>T on transcript NM_020166.5 (MANE Select); coding-DNA position 262, C replaced by T.
Protein change: p.His88Tyr; replaces histidine 88 with tyrosine.
Molecular consequence: missense variant. On other transcripts: non-coding transcript variant (1), intron variant (2).
Genome position (GRCh38, 1-based): chr3:183,092,420, G>A on the plus strand (C>T on the coding strand, the complement: MCCC1 is on the minus strand). VCF-style: chr3-183092420-G-A. GRCh37 (hg19) VCF-style: chr3-182810208-G-A.
Other names: c.-55+2139C>T (NM_001363880.1); c.44+2139C>T (NM_001293273.2); short protein forms H88Y.
Identifiers: ClinVar variation 1430480 (VCV001430480.4), dbSNP rs778145370, ClinGen allele CA2719158.

ClinVar aggregate classification (germline): Uncertain significance (1 of 4 stars; one submission).

Conditions:
3-methylcrotonyl-CoA carboxylase 1 deficiency (MCC1D). Also called: MCC 1 deficiency; 3 Alpha methylcrotonylglycinuria 1; MCCD TYPE 1; METHYLCROTONYLGLYCINURIA TYPE I. Identifiers: Orphanet 6, MedGen CN028786, MONDO:0008861, OMIM 210200.

Allele frequency attached by ClinVar (database versions not stated): ExAC 0.00002; gnomAD exomes 0.00002.

Submission:

Labcorp Genetics (formerly Invitae), Labcorp
Classification: Uncertain significance for 3-methylcrotonyl-CoA carboxylase 1 deficiency. Last evaluated: 2022-09-07. Review status: criteria provided, single submitter. Criteria: Invitae Variant Classification Sherloc (09022015). Collection method: clinical testing. Allele origin: germline.
Comment: This sequence change replaces histidine, which is basic and polar, with tyrosine, which is neutral and polar, at codon 88 of the MCCC1 protein (p.His88Tyr). This variant is present in population databases (rs778145370, gnomAD 0.006%). This variant has not been reported in the literature in individuals affected with MCCC1-related conditions. ClinVar contains an entry for this variant (Variation ID: 1430480). Algorithms developed to predict the effect of missense changes on protein structure and function are either unavailable or do not agree on the potential impact of this missense change (SIFT: "Deleterious"; PolyPhen-2: "Possibly Damaging"; Align-GVGD: "Class C0"). Algorithms developed to predict the effect of sequence changes on RNA splicing suggest that this variant may create or strengthen a splice site. In summary, the available evidence is currently insufficient to determine the role of this variant in disease. Therefore, it has been classified as a Variant of Uncertain Significance.